The following is an entry in ClinVar:

GRCh38/hg38 3q29(chr3:195965316-197625573)x3

Genes: BDH1 (3-hydroxybutyrate dehydrogenase 1), CEP19 (centrosomal protein 19; minus strand), DLG1 (discs large MAGUK scaffold protein 1; minus strand), DLG1-AS1 (DLG1 antisense RNA 1; plus strand), DYNLT2B (dynein light chain Tctex-type 2B; minus strand) and 106 more. Cytogenetic location: 3q29.
Variant type: copy number gain.
Change: copy number 3 (three copies instead of two) of chr3:195,965,316-197,625,573 (1.66 Mb, GRCh38 coordinates, 1-based), cytogenetic band 3q29.
Identifiers: ClinVar variation 59982 (VCV000059982.3).

ClinVar aggregate classification (germline): Pathogenic (0 of 4 stars; one submission).

Submission:

ISCA Site 6
Classification: Pathogenic. Last evaluated: 2011-08-11. Review status: no assertion criteria provided. Collection method: clinical testing. Allele origin: unknown. Affected: yes. Observed: 1 variant allele.
Comment: Copy number variation identified through the course of routine clinical cytogenomic testing in postnatal populations. Clinical assertions have been curated as described in Kaminsky et al. 2011.

Copy number variation identified through the course of routine clinical cytogenomic testing in postnatal populations. Clinical assertions have been curated as described in Kaminsky, et al. 2011 (PubMed 21844811). For additional ClinGen data, please see nstd37.